The following is an entry in ClinVar:

ClinVar aggregate classification (germline): Uncertain significance. Review status: criteria provided, multiple submitters, no conflicts (2 of 4 stars). 3 submissions from 3 submitters: Uncertain significance (3). Last evaluated 2025-12-18.

Conditions:
Cone-rod dystrophy 7 (CORD7). Identifiers: Orphanet 1872, MedGen C1863634, MONDO:0011355, OMIM 603649.

Allele frequency attached by ClinVar (database versions not stated): TOPMed 0.00002; gnomAD 0.00001 and 0.00002.
gnomAD v4.1: 35 of 1,562,914 alleles (0.0022%); highest among the groups gnomAD compares: Middle Eastern, 0.019%; no homozygotes.

Submissions (3):

Labcorp Genetics (formerly Invitae), Labcorp
Classification: Uncertain significance. Last evaluated: 2025-12-18. Review status: criteria provided, single submitter. Criteria: Invitae Variant Classification Sherloc (09022015). Collection method: clinical testing. Allele origin: germline.
Comment: This sequence change replaces isoleucine, which is neutral and non-polar, with threonine, which is neutral and polar, at codon 675 of the RIMS1 protein (p.Ile675Thr). This variant is present in population databases (rs762108313, gnomAD 0.002%). This variant has not been reported in the literature in individuals affected with RIMS1-related conditions. ClinVar contains an entry for this variant (Variation ID: 1449441). An algorithm developed to predict the effect of missense changes on protein structure and function (PolyPhen-2) suggests that this variant is likely to be disruptive. In summary, the available evidence is currently insufficient to determine the role of this variant in disease. Therefore, it has been classified as a Variant of Uncertain Significance.

Ambry Genetics
Classification: Uncertain significance. Last evaluated: 2025-11-03. Review status: criteria provided, single submitter. Criteria: Ambry Variant Classification Scheme 2023. Collection method: clinical testing. Allele origin: germline.

Institute of Human Genetics, University of Leipzig Medical Center
Classification: Uncertain significance for Cone-rod dystrophy 7. Last evaluated: 2022-08-08. Review status: criteria provided, single submitter. Criteria: ACMG Guidelines, 2015. Collection method: clinical testing. Allele origin: unknown. Inheritance: Autosomal dominant inheritance. Affected: yes.
Comment: Criteria applied: PM1_SUP,PM2_SUP,PP3

NM_014989.7(RIMS1):c.2024T>C (p.Ile675Thr)

Gene: RIMS1 (regulating synaptic membrane exocytosis 1; plus strand). Cytogenetic location: 6q13.
Variant type: single nucleotide variant.
Coding change: c.2024T>C on transcript NM_014989.7 (MANE Select); coding-DNA position 2024, T replaced by C.
Protein change: p.Ile675Thr; replaces isoleucine 675 with threonine.
Molecular consequence: missense variant.
Genome position (GRCh38, 1-based): chr6:72,242,380, T>C. VCF-style: chr6-72242380-T-C. GRCh37 (hg19) VCF-style: chr6-72952083-T-C.
Other names: c.2024T>C (NM_014989.4); c.446T>C, p.Ile149Thr (NM_001168407.2, NM_001168408.2, NM_001350414.2 and 37 more transcripts); c.203T>C, p.Ile68Thr (NM_001168409.2, NM_001350461.2, NM_001350463.2 and 6 more transcripts); c.401T>C, p.Ile134Thr (NM_001168410.2, NM_001350470.2, NM_001350472.2 and 2 more transcripts); c.377T>C, p.Ile126Thr (NM_001350421.2, NM_001350424.2, NM_001350428.2 and 6 more transcripts); short protein forms I134T, I149T, I68T, I126T, I675T.
Identifiers: ClinVar variation 1449441 (VCV001449441.13), dbSNP rs762108313, ClinGen allele CA3885876.